The following is an entry in ClinVar:

NM_198253.3(TERT):c.2087G>C (p.Arg696Pro)

Gene: TERT (telomerase reverse transcriptase; minus strand). Cytogenetic location: 5p15.33.
Variant type: single nucleotide variant.
Coding change: c.2087G>C on transcript NM_198253.3 (MANE Select); coding-DNA position 2087, G replaced by C.
Protein change: p.Arg696Pro; replaces arginine 696 with proline.
Molecular consequence: missense variant. On other transcripts: non-coding transcript variant (2).
Genome position (GRCh38, 1-based): chr5:1,279,334, C>G on the plus strand (G>C on the coding strand, the complement: TERT is on the minus strand). VCF-style: chr5-1279334-C-G. GRCh37 (hg19) VCF-style: chr5-1279449-C-G.
Other names: c.2087G>C, p.Arg696Pro (NM_001193376.3, NM_003219.1); short protein forms R696P.
Identifiers: ClinVar variation 2951143 (VCV002951143.3), dbSNP rs756152343, ClinGen allele CA359080149.

ClinVar aggregate classification (germline): Uncertain significance (1 of 4 stars; one submission).

Conditions:
Dyskeratosis congenita, autosomal dominant 2. Identifiers: MedGen C3151443, MONDO:0013521, OMIM 613989.
Idiopathic Pulmonary Fibrosis. Also called: Idiopathic fibrosing alveolitis, chronic form; idiopathic fibrosing alveolitis. Identifiers: Orphanet 2032, MedGen C1800706, MeSH D054990, MONDO:0800504.

Submission:

Labcorp Genetics (formerly Invitae), Labcorp
Classification: Uncertain significance for Dyskeratosis congenita, autosomal dominant 2; Idiopathic Pulmonary Fibrosis. Last evaluated: 2023-08-20. Review status: criteria provided, single submitter. Criteria: Invitae Variant Classification Sherloc (09022015). Collection method: clinical testing. Allele origin: germline.
Comment: This sequence change replaces arginine, which is basic and polar, with proline, which is neutral and non-polar, at codon 696 of the TERT protein (p.Arg696Pro). This variant is not present in population databases (gnomAD no frequency). This variant has not been reported in the literature in individuals affected with TERT-related conditions. Algorithms developed to predict the effect of missense changes on protein structure and function output the following: SIFT: "Not Available"; PolyPhen-2: "Benign"; Align-GVGD: "Not Available". The proline amino acid residue is found in multiple mammalian species, which suggests that this missense change does not adversely affect protein function. In summary, the available evidence is currently insufficient to determine the role of this variant in disease. Therefore, it has been classified as a Variant of Uncertain Significance.